The following is an entry in ClinVar:

ClinVar aggregate classification (germline): Pathogenic (1 of 4 stars; one submission).

Conditions:
Acute infantile liver failure due to synthesis defect of mtDNA-encoded proteins. Also called: Liver failure acute infantile; LIVER FAILURE, INFANTILE, TRANSIENT; TRMU Deficiency. Identifiers: Orphanet 217371, MedGen C3278664, MONDO:0013111, OMIM 613070.

Submission:

Myriad Genetics, Inc.
Classification: Pathogenic for Acute infantile liver failure due to synthesis defect of mtDNA-encoded proteins. Last evaluated: 2023-09-27. Review status: criteria provided, single submitter. Criteria: Myriad Autosomal Dominant, Autosomal Recessive and X-Linked Classification Criteria (2023). Collection method: clinical testing. Allele origin: unknown.
Comment: NM_018006.4(TRMU):c.38dupG(G14Rfs*31) is expected to be pathogenic in the context of acute liver failure, TRMU-related. This variant is predicted to lead to an abnormal or absent protein product due to the creation of a premature termination codon in TRMU, a gene where loss-of-function variants are known to be pathogenic. Please note: this variant was assessed in the context of healthy population screening.

NM_018006.5(TRMU):c.38dup (p.Gly14fs)

Gene: TRMU (tRNA mitochondrial 2-thiouridylase; plus strand). Cytogenetic location: 22q13.31.
Variant type: Duplication.
Coding change: c.38dup on transcript NM_018006.5 (MANE Select); coding-DNA position 38, one base duplicated (G; older notation c.38dupG).
Protein change: p.Gly14fs; shifts the reading frame from glycine 14.
Molecular consequence: frameshift variant. On other transcripts: 5 prime UTR variant (3), non-coding transcript variant (2).
Genome position (GRCh38, 1-based): chr22:46,335,802, G duplicated; the last of 2 consecutive G bases (chr22:46,335,801-46,335,802); duplicating either gives the same sequence. VCF-style (leftmost placement, unchanged base first): chr22-46335800-C-CG. GRCh37 (hg19) VCF-style: chr22-46731697-C-CG.
Other names: c.-198dup (NM_001282782.2); c.-217dup (NM_001282783.2, NM_001282784.2); c.38dup, p.Gly14fs (NM_001282785.2); short protein forms G14fs.
Identifiers: ClinVar variation 5011917 (VCV005011917.1).